The following is an entry in ClinVar:

NM_022124.6(CDH23):c.8500G>C (p.Val2834Leu)

Gene: CDH23 (cadherin related 23; plus strand). Cytogenetic location: 10q22.1.
Variant type: single nucleotide variant.
Coding change: c.8500G>C on transcript NM_022124.6 (MANE Select); coding-DNA position 8500, G replaced by C.
Protein change: p.Val2834Leu; replaces valine 2834 with leucine.
Molecular consequence: missense variant.
Genome position (GRCh38, 1-based): chr10:71,807,707, G>C. VCF-style: chr10-71807707-G-C. GRCh37 (hg19) VCF-style: chr10-73567464-G-C.
Other names: c.1780G>C, p.Val594Leu (NM_001171933.1, NM_001171934.1); short protein forms V2834L, V594L.
Identifiers: ClinVar variation 3901637 (VCV003901637.1).

ClinVar aggregate classification (germline): Uncertain significance (1 of 4 stars; one submission).

Submission:

GeneDx
Classification: Uncertain significance. Last evaluated: 2024-12-03. Review status: criteria provided, single submitter. Criteria: GeneDx Variant Classification Process June 2021. Collection method: clinical testing. Allele origin: germline. Affected: yes.
Comment: Not observed at significant frequency in large population cohorts (gnomAD); In silico analysis indicates that this missense variant does not alter protein structure/function; Has not been previously published as pathogenic or benign to our knowledge